The following is an entry in ClinVar:

ClinVar aggregate classification (germline): Likely benign. Review status: criteria provided, single submitter (1 of 4 stars). 2 submissions from 2 submitters: Likely benign (1). 1 of the submissions does not count toward it. Last evaluated 2023-12-30.

Conditions:
PCSK1-related disorder. Also called: PCSK1-related condition.

Allele frequency attached by ClinVar (database versions not stated): gnomAD 0.00001; TOPMed 0.00002.
gnomAD v4.1: 1 of 1,608,996 alleles (0.000062%); highest among the groups gnomAD compares: Admixed American, 0.0017%; no homozygotes.

Submissions (2):

Labcorp Genetics (formerly Invitae), Labcorp
Classification: Likely benign. Last evaluated: 2023-12-30. Review status: criteria provided, single submitter. Criteria: Invitae Variant Classification Sherloc (09022015). Collection method: clinical testing. Allele origin: germline.

PreventionGenetics, part of Exact Sciences
Classification: Likely benign for PCSK1-related condition. Last evaluated: 2020-07-29. Review status: no assertion criteria provided. Collection method: clinical testing. Allele origin: germline. Not counted in ClinVar's aggregate classification.
Comment: This variant is classified as likely benign based on ACMG/AMP sequence variant interpretation guidelines (Richards et al. 2015 PMID: 25741868, with internal and published modifications).

NM_000439.5(PCSK1):c.1095+8G>T

Genes: CAST (calpastatin; plus strand), PCSK1 (proprotein convertase subtilisin/kexin type 1; minus strand), LOC101929710 (uncharacterized LOC101929710; plus strand). Cytogenetic location: 5q15.
Variant type: single nucleotide variant.
Coding change: c.1095+8G>T on transcript NM_000439.5 (MANE Select); 8 bases into the intron after coding-DNA position 1095, G replaced by T.
Molecular consequence: intron variant.
Genome position (GRCh38, 1-based): chr5:96,410,766, C>A on the plus strand (G>T on the coding strand, the complement: PCSK1 is on the minus strand). VCF-style: chr5-96410766-C-A. GRCh37 (hg19) VCF-style: chr5-95746470-C-A.
Other names: c.-175+31114C>A (NM_001423254.1, NM_001423259.1, NM_001423255.1 and 6 more transcripts); c.-103+31114C>A (NM_001423253.1); c.-40+31114C>A (NM_001423258.1); c.954+8G>T (NM_001177875.2).
Identifiers: ClinVar variation 2895840 (VCV002895840.4), dbSNP rs1306617326, ClinGen allele CA815915066.